The following is an entry in ClinVar:

ClinVar aggregate classification (germline): Likely benign (1 of 4 stars; one submission).

Allele frequency attached by ClinVar (database versions not stated): TOPMed below 0.00001.
gnomAD v4.1: 2 of 556,566 alleles (0.00036%); highest among the groups gnomAD compares: Admixed American, 0.0036%; no homozygotes.

Submission:

GeneDx
Classification: Likely benign. Last evaluated: 2017-09-27. Review status: criteria provided, single submitter. Criteria: GeneDx Variant Classification (06012015). Collection method: clinical testing. Allele origin: germline. Affected: yes.
Comment: This variant is considered likely benign or benign based on one or more of the following criteria: it is a conservative change, it occurs at a poorly conserved position in the protein, it is predicted to be benign by multiple in silico algorithms, and/or has population frequency not consistent with disease.

NM_007373.4(SHOC2):c.-234-14A>G

Gene: SHOC2 (SHOC2 leucine rich repeat scaffold protein; plus strand). Cytogenetic location: 10q25.2.
Variant type: single nucleotide variant.
Coding change: c.-234-14A>G on transcript NM_007373.4 (MANE Select); 14 bases into the intron before 234 bases upstream of the start codon, A replaced by G.
Molecular consequence: intron variant.
Genome position (GRCh38, 1-based): chr10:110,964,111, A>G. VCF-style: chr10-110964111-A-G. GRCh37 (hg19) VCF-style: chr10-112723869-A-G.
Other names: c.-234-14A>G (NM_001324336.2, NM_001324337.2, NM_001269039.3).
Identifiers: ClinVar variation 512374 (VCV000512374.1), dbSNP rs1554857573, ClinGen allele CA658797542.